The following is an entry in ClinVar:

ClinVar aggregate classification (germline): Uncertain significance (1 of 4 stars; one submission).

Conditions:
DYNC2LI1-related disorder. Also called: DYNC2LI1-related condition.

Submission:

PreventionGenetics, part of Exact Sciences
Classification: Uncertain significance for DYNC2LI1-related condition. Last evaluated: 2026-07-26. Review status: criteria provided, single submitter. Criteria: ACMG Guidelines, 2015. Collection method: clinical testing. Allele origin: germline.
Comment: The DYNC2LI1 c.313A>G variant is predicted to result in the amino acid substitution p.Thr105Ala. To our knowledge, this variant has not been reported in the literature or in a large population database (gnomAD), indicating this variant is rare. At this time, the clinical significance of this variant is uncertain due to the absence of conclusive functional and genetic evidence.

NM_016008.4(DYNC2LI1):c.313A>G (p.Thr105Ala)

Gene: DYNC2LI1 (dynein cytoplasmic 2 light intermediate chain 1; plus strand). Cytogenetic location: 2p21.
Variant type: single nucleotide variant.
Coding change: c.313A>G on transcript NM_016008.4 (MANE Select); coding-DNA position 313, A replaced by G.
Protein change: p.Thr105Ala; replaces threonine 105 with alanine.
Molecular consequence: missense variant.
Genome position (GRCh38, 1-based): chr2:43,789,714, A>G. VCF-style: chr2-43789714-A-G. GRCh37 (hg19) VCF-style: chr2-44016853-A-G.
Other names: c.313A>G, p.Thr105Ala (NM_001193464.2, NM_001348912.2, NM_001348913.2 and 1 more transcripts); short protein forms T105A.
Identifiers: ClinVar variation 4990931 (VCV004990931.1).